The following is an entry in ClinVar:

ClinVar aggregate classification (germline): Uncertain significance (1 of 4 stars; one submission).

Submission:

GeneDx
Classification: Uncertain significance. Last evaluated: 2025-04-15. Review status: criteria provided, single submitter. Criteria: GeneDx Variant Classification Process June 2021. Collection method: clinical testing. Allele origin: germline. Affected: yes.
Comment: Not observed at significant frequency in large population cohorts (gnomAD); In silico analysis indicates that this missense variant does not alter protein structure/function; Has not been previously published as pathogenic or benign to our knowledge

NM_015021.3(ZNF292):c.1099G>A (p.Val367Met)

Gene: ZNF292 (zinc finger protein 292; plus strand). Cytogenetic location: 6q14.3.
Variant type: single nucleotide variant.
Coding change: c.1099G>A on transcript NM_015021.3 (MANE Select); coding-DNA position 1099, G replaced by A.
Protein change: p.Val367Met; replaces valine 367 with methionine.
Molecular consequence: missense variant.
Genome position (GRCh38, 1-based): chr6:87,254,728, G>A. VCF-style: chr6-87254728-G-A. GRCh37 (hg19) VCF-style: chr6-87964446-G-A.
Other names: c.679G>A, p.Val227Met (NM_001351444.2); short protein forms V227M, V367M.
Identifiers: ClinVar variation 4282164 (VCV004282164.1).
Genomic context (GRCh38, chr6:87,254,728, plus strand): 5'-GCTACCTGTATAGAACTGTGTGTAAAGGCTCTTCGCTTGGAGTCTACAGAAAATACTGAA[G>A]TGAAAATATCTATTTGCAAGACCATTTCATGTTTGTTGCCTGATGATCTGGAAGTTAAAC-3'
Protein context (NP_055836.1, residues 357-377): LRLESTENTE[Val367Met]KISICKTISC